The following is an entry in ClinVar:

NM_022489.4(INF2):c.2908G>A (p.Val970Met)

Gene: INF2 (inverted formin 2; plus strand). Cytogenetic location: 14q32.33.
Variant type: single nucleotide variant.
Coding change: c.2908G>A on transcript NM_022489.4 (MANE Select); coding-DNA position 2908, G replaced by A.
Protein change: p.Val970Met; replaces valine 970 with methionine.
Molecular consequence: missense variant.
Genome position (GRCh38, 1-based): chr14:104,713,474, G>A. VCF-style: chr14-104713474-G-A. GRCh37 (hg19) VCF-style: chr14-105179811-G-A.
Other names: c.2908G>A, p.Val970Met (NM_001031714.4); short protein forms V970M.
Identifiers: ClinVar variation 829916 (VCV000829916.6), dbSNP rs977752085, ClinGen allele CA267330233.

ClinVar aggregate classification (germline): Uncertain significance. Review status: criteria provided, single submitter (1 of 4 stars). 2 submissions from 2 submitters: Uncertain significance (1). 1 of the submissions does not count toward it. Last evaluated 2024-12-16.

Conditions:
Charcot-Marie-Tooth disease dominant intermediate E. Also called: CHARCOT-MARIE-TOOTH NEUROPATHY WITH FOCAL SEGMENTAL GLOMERULONEPHRITIS. Identifiers: Orphanet 93114, MedGen C4302667, MONDO:0013758, OMIM 614455.
Focal segmental glomerulosclerosis 5 (FSGS5). Identifiers: Orphanet 656, MedGen C2750475, MONDO:0013191, OMIM 613237.

Allele frequency attached by ClinVar (database versions not stated): gnomAD exomes below 0.00001; gnomAD 0.00001 and 0.00002; TOPMed 0.00002.
gnomAD v4.1: 8 of 1,611,424 alleles (0.0005%); highest among the groups gnomAD compares: Middle Eastern, 0.016%; no homozygotes.

Submissions (2):

Labcorp Genetics (formerly Invitae), Labcorp
Classification: Uncertain significance for Charcot-Marie-Tooth disease dominant intermediate E; Focal segmental glomerulosclerosis 5. Last evaluated: 2024-12-16. Review status: criteria provided, single submitter. Criteria: Invitae Variant Classification Sherloc (09022015). Collection method: clinical testing. Allele origin: germline.
Comment: This sequence change replaces valine, which is neutral and non-polar, with methionine, which is neutral and non-polar, at codon 970 of the INF2 protein (p.Val970Met). The frequency data for this variant in the population databases is considered unreliable, as metrics indicate poor data quality at this position in the gnomAD database. This variant has not been reported in the literature in individuals affected with INF2-related conditions. ClinVar contains an entry for this variant (Variation ID: 829916). Invitae Evidence Modeling of protein sequence and biophysical properties (such as structural, functional, and spatial information, amino acid conservation, physicochemical variation, residue mobility, and thermodynamic stability) indicates that this missense variant is not expected to disrupt INF2 protein function with a negative predictive value of 95%. In summary, the available evidence is currently insufficient to determine the role of this variant in disease. Therefore, it has been classified as a Variant of Uncertain Significance.

Bioscientia Institut fuer Medizinische Diagnostik GmbH, Sonic Healthcare
Classification: Uncertain significance for Focal segmental glomerulosclerosis 5. Last evaluated: 2019-10-25. Review status: no assertion criteria provided. Collection method: clinical testing. Allele origin: germline. Affected: yes. Not counted in ClinVar's aggregate classification.